The following is an entry in ClinVar:

ClinVar aggregate classification (germline): Uncertain significance (1 of 4 stars; one submission).

Allele frequency attached by ClinVar (database versions not stated): gnomAD exomes below 0.00001; TOPMed below 0.00001; gnomAD 0.00001.
gnomAD v4.1: 3 of 1,610,884 alleles (0.00019%); highest among the groups gnomAD compares: Non-Finnish European, 0.00025%; no homozygotes.

Submission:

Labcorp Genetics (formerly Invitae), Labcorp
Classification: Uncertain significance. Last evaluated: 2022-06-13. Review status: criteria provided, single submitter. Criteria: Invitae Variant Classification Sherloc (09022015). Collection method: clinical testing. Allele origin: germline.
Comment: Algorithms developed to predict the effect of sequence changes on RNA splicing suggest that this variant may disrupt the consensus splice site. In summary, the available evidence is currently insufficient to determine the role of this variant in disease. Therefore, it has been classified as a Variant of Uncertain Significance. This variant has not been reported in the literature in individuals affected with ECHS1-related conditions. This variant is not present in population databases (gnomAD no frequency). This sequence change falls in intron 6 of the ECHS1 gene. It does not directly change the encoded amino acid sequence of the ECHS1 protein.

NM_004092.4(ECHS1):c.740-10T>C

Gene: ECHS1 (enoyl-CoA hydratase, short chain 1; minus strand). Cytogenetic location: 10q26.3.
Variant type: single nucleotide variant.
Coding change: c.740-10T>C on transcript NM_004092.4 (MANE Select); 10 bases into the intron before coding-DNA position 740, T replaced by C.
Molecular consequence: intron variant.
Genome position (GRCh38, 1-based): chr10:133,364,735, A>G on the plus strand (T>C on the coding strand, the complement: ECHS1 is on the minus strand). VCF-style: chr10-133364735-A-G. GRCh37 (hg19) VCF-style: chr10-135178239-A-G.
Identifiers: ClinVar variation 2005667 (VCV002005667.4), dbSNP rs1275416597, ClinGen allele CA661959729.